The following is an entry in ClinVar:

ClinVar aggregate classification (germline): Uncertain significance (1 of 4 stars; one submission).

Conditions:
Chédiak-Higashi syndrome (CHS). Also called: Chediak-Higashi Syndrome. Identifiers: Orphanet 167, MedGen C0007965, MONDO:0008963, OMIM 214500.

Allele frequency attached by ClinVar (database versions not stated): gnomAD exomes below 0.00001.
gnomAD v4.1: 3 of 1,614,066 alleles (0.00019%); highest among the groups gnomAD compares: Non-Finnish European, 0.00025%; no homozygotes.

Submission:

Labcorp Genetics (formerly Invitae), Labcorp
Classification: Uncertain significance for Chédiak-Higashi syndrome. Last evaluated: 2021-11-16. Review status: criteria provided, single submitter. Criteria: Invitae Variant Classification Sherloc (09022015). Collection method: clinical testing. Allele origin: germline.
Comment: In summary, the available evidence is currently insufficient to determine the role of this variant in disease. Therefore, it has been classified as a Variant of Uncertain Significance. Algorithms developed to predict the effect of missense changes on protein structure and function are either unavailable or do not agree on the potential impact of this missense change (SIFT: "Tolerated"; PolyPhen-2: "Possibly Damaging"; Align-GVGD: "Class C0"). This variant has not been reported in the literature in individuals affected with LYST-related conditions. This variant is not present in population databases (gnomAD no frequency). This sequence change replaces leucine, which is neutral and non-polar, with isoleucine, which is neutral and non-polar, at codon 3134 of the LYST protein (p.Leu3134Ile).

NM_000081.4(LYST):c.9400T>A (p.Leu3134Ile)

Gene: LYST (lysosomal trafficking regulator; minus strand). Cytogenetic location: 1q42.3.
Variant type: single nucleotide variant.
Coding change: c.9400T>A on transcript NM_000081.4 (MANE Select); coding-DNA position 9400, T replaced by A.
Protein change: p.Leu3134Ile; replaces leucine 3134 with isoleucine.
Molecular consequence: missense variant.
Genome position (GRCh38, 1-based): chr1:235,720,821, A>T on the plus strand (T>A on the coding strand, the complement: LYST is on the minus strand). VCF-style: chr1-235720821-A-T. GRCh37 (hg19) VCF-style: chr1-235884121-A-T.
Other names: c.9400T>A, p.Leu3134Ile (NM_001301365.1); short protein forms L3134I.
Identifiers: ClinVar variation 1484196 (VCV001484196.5), dbSNP rs1663293926, ClinGen allele CA344944140.